The following is an entry in ClinVar:

ClinVar aggregate classification (germline): Pathogenic (1 of 4 stars; one submission).

Conditions:
Fanconi anemia complementation group E (FANCE). Also called: FANCE-Related Fanconi Anemia. Identifiers: Orphanet 84, MedGen C3160739, MONDO:0010953, OMIM 600901.

Submission:

Labcorp Genetics (formerly Invitae), Labcorp
Classification: Pathogenic for Fanconi anemia complementation group E. Last evaluated: 2023-04-22. Review status: criteria provided, single submitter. Criteria: Invitae Variant Classification Sherloc (09022015). Collection method: clinical testing. Allele origin: germline.
Comment: For these reasons, this variant has been classified as Pathogenic. This variant has not been reported in the literature in individuals affected with FANCE-related conditions. This variant is not present in population databases (gnomAD no frequency). This sequence change creates a premature translational stop signal (p.Glu38*) in the FANCE gene. It is expected to result in an absent or disrupted protein product. Loss-of-function variants in FANCE are known to be pathogenic (PMID: 11001585, 17924555).

Literature cited by the submitters: PubMed 11001585; PubMed 17924555.

NM_021922.3(FANCE):c.112G>T (p.Glu38Ter)

Genes: FANCE (FA complementation group E; plus strand), LOC129996245 (ATAC-STARR-seq lymphoblastoid silent region 17092; plus strand). Cytogenetic location: 6p21.31.
Variant type: single nucleotide variant.
Coding change: c.112G>T on transcript NM_021922.3 (MANE Select); coding-DNA position 112, G replaced by T.
Protein change: p.Glu38Ter; replaces glutamic acid 38 with a stop codon.
Molecular consequence: nonsense.
Genome position (GRCh38, 1-based): chr6:35,452,657, G>T. VCF-style: chr6-35452657-G-T. GRCh37 (hg19) VCF-style: chr6-35420434-G-T.
Other names: c.112G>T, p.Glu38Ter (NM_001410876.1); short protein forms E38*.
Identifiers: ClinVar variation 2858233 (VCV002858233.3), dbSNP rs1581696489, ClinGen allele CA363770214.